The following is an entry in ClinVar:

NM_000540.3(RYR1):c.14761_14762delinsAC (p.Phe4921Thr)

Gene: RYR1 (ryanodine receptor 1; plus strand). Cytogenetic location: 19q13.2.
Variant type: Indel.
Coding change: c.14761_14762delinsAC on transcript NM_000540.3 (MANE Select); coding-DNA positions 14761 to 14762, TT replaced by AC.
Protein change: p.Phe4921Thr; replaces phenylalanine 4921 with threonine.
Molecular consequence: missense variant.
Genome position (GRCh38, 1-based): chr19:38,585,057-38,585,058, TT replaced by AC. VCF-style: chr19-38585057-TT-AC. GRCh37 (hg19) VCF-style: chr19-39075697-TT-AC.
Other names: c.14746_14747delinsAC, p.Phe4916Thr (NM_001042723.2); short protein forms F4916T, F4921T.
Identifiers: ClinVar variation 12995 (VCV000012995.8), dbSNP rs118192171, ClinGen allele CA024248.
Genomic context (GRCh38, chr19:38,585,057, plus strand): 5'-GAGATCGAGGACCCCGCGGGTGACGAATACGAGCTCTACAGGGTGGTCTTCGACATCACC[TT>AC]CTTCTTCTTCGTCATCGTCATCCTGTTGGCCATCATCCAGGGTCAGTGCTGGGAGTGGGC-3'
Protein context (NP_000531.2, residues 4911-4931): ELYRVVFDIT[Phe4921Thr]FFFVIVILLA

ClinVar aggregate classification (germline): Likely pathogenic. Review status: criteria provided, single submitter (1 of 4 stars). 3 submissions from 3 submitters: Likely pathogenic (1). 2 of the submissions do not count toward it. Last evaluated 2023-03-22.

Conditions:
RYR1-related disorder. Also called: RYR1-related disorders; RYR1-related condition. Identifiers: MedGen CN239331.
Neuromuscular disease, congenital, with uniform type 1 fiber. Identifiers: MedGen C2674259.

Submissions (3):

Labcorp Genetics (formerly Invitae), Labcorp
Classification: Likely pathogenic for RYR1-related disorder. Last evaluated: 2023-03-22. Review status: criteria provided, single submitter. Criteria: Invitae Variant Classification Sherloc (09022015). Collection method: clinical testing. Allele origin: germline.
Comment: This sequence change replaces phenylalanine, which is neutral and non-polar, with threonine, which is neutral and polar, at codon 4921 of the RYR1 protein (p.Phe4921Thr). This variant disrupts the p.Phe4921 amino acid residue in RYR1. Other variant(s) that disrupt this residue have been determined to be pathogenic (PMID: 16621918; Invitae). This suggests that this residue is clinically significant, and that variants that disrupt this residue are likely to be disease-causing. In summary, the currently available evidence indicates that the variant is pathogenic, but additional data are needed to prove that conclusively. Therefore, this variant has been classified as Likely Pathogenic. Experimental studies and prediction algorithms are not available or were not evaluated, and the functional significance of this variant is currently unknown. ClinVar contains an entry for this variant (Variation ID: 12995). This missense change has been observed in individual(s) with clinical features of autosomal dominant central core disease (PMID: 16621918, 32381727; Invitae). In at least one individual the variant was observed to be de novo. Information on the frequency of this variant in the gnomAD database is not available, as this variant may be reported differently in the database.

OMIM
Classification: Pathogenic for CONGENITAL MYOPATHY 1A, AUTOSOMAL DOMINANT. Last evaluated: 2008-01-08. Review status: no assertion criteria provided. Collection method: literature only. Allele origin: germline. Not counted in ClinVar's aggregate classification.

RYR1 database
No classification provided. Review status: no classification provided. Collection method: not provided. Allele origin: unknown. Not counted in ClinVar's aggregate classification.

Literature cited by the submitters: PubMed 16621918 (cited by Labcorp Genetics (formerly Invitae), Labcorp and OMIM); PubMed 32381727 (cited by Labcorp Genetics (formerly Invitae), Labcorp); PubMed 17538032 (cited by OMIM); PubMed 10838116 (cited by OMIM).